The following is an entry in ClinVar:

ClinVar aggregate classification (germline): Likely benign. Review status: criteria provided, multiple submitters, no conflicts (2 of 4 stars). 3 submissions from 3 submitters: Likely benign (3). Last evaluated 2024-07-22.

Conditions:
Hereditary cancer-predisposing syndrome. Also called: Tumor predisposition; Hereditary Cancer Syndrome; Hereditary neoplastic syndrome; Neoplastic Syndromes, Hereditary. Identifiers: Orphanet 140162, MedGen C0027672, MeSH D009386, MONDO:0015356.
POLD1-related polyposis and colorectal cancer syndrome (CRCS10). Also called: Colorectal cancer 10; COLORECTAL CANCER, SUSCEPTIBILITY TO, ON CHROMOSOME 19q; Colorectal cancer, susceptibility to, 10. Identifiers: Orphanet 220460, MedGen C2675481, MONDO:0012953, OMIM 612591.

Submissions (3):

Labcorp Genetics (formerly Invitae), Labcorp
Classification: Likely benign for POLD1-related polyposis and colorectal cancer syndrome. Last evaluated: 2024-07-22. Review status: criteria provided, single submitter. Criteria: Invitae Variant Classification Sherloc (09022015). Collection method: clinical testing. Allele origin: germline.

Ambry Genetics
Classification: Likely benign for Hereditary cancer-predisposing syndrome. Last evaluated: 2020-03-02. Review status: criteria provided, single submitter. Criteria: Ambry Variant Classification Scheme 2023. Collection method: clinical testing. Allele origin: germline.

GeneDx
Classification: Likely benign. Last evaluated: 2017-08-22. Review status: criteria provided, single submitter. Criteria: GeneDx Variant Classification (06012015). Collection method: clinical testing. Allele origin: germline. Affected: yes.
Comment: This variant is considered likely benign or benign based on one or more of the following criteria: it is a conservative change, it occurs at a poorly conserved position in the protein, it is predicted to be benign by multiple in silico algorithms, and/or has population frequency not consistent with disease.

NM_002691.4(POLD1):c.2208G>A (p.Glu736=)

Gene: POLD1 (DNA polymerase delta 1, catalytic subunit; plus strand). Cytogenetic location: 19q13.33.
Variant type: single nucleotide variant.
Coding change: c.2208G>A on transcript NM_002691.4 (MANE Select); coding-DNA position 2208, G replaced by A.
Protein change: p.Glu736=; no amino-acid change (glutamic acid 736 retained).
Molecular consequence: synonymous variant. On other transcripts: non-coding transcript variant (1).
Genome position (GRCh38, 1-based): chr19:50,413,479, G>A. VCF-style: chr19-50413479-G-A. GRCh37 (hg19) VCF-style: chr19-50916736-G-A.
Other names: c.2208G>A, p.Glu736= (NM_001256849.1); c.2286G>A, p.Glu762= (NM_001308632.1).
Identifiers: ClinVar variation 511544 (VCV000511544.11), dbSNP rs1555792548, ClinGen allele CA508304940.
Genomic context (GRCh38, chr19:50,413,479, plus strand): 5'-CCGACAGAGCGTCACGGGGTTCGGACGTCAGATGATCGAGAAAACCAAGCAGCTGGTGGA[G>A]TCTAAGTACACAGTGGAGAATGGCTACAGCACCAGTGCCAAGGTCGGGGGCTGCCCACCG-3'
Protein context (NP_002682.2, residues 726-746): QMIEKTKQLV[Glu736=]SKYTVENGYS